The following is an entry in ClinVar:

NM_005732.4(RAD50):c.2478A>T (p.Gln826His)

Gene: RAD50 (RAD50 double strand break repair protein; plus strand). Cytogenetic location: 5q31.1.
Variant type: single nucleotide variant.
Coding change: c.2478A>T on transcript NM_005732.4 (MANE Select); coding-DNA position 2478, A replaced by T.
Protein change: p.Gln826His; replaces glutamine 826 with histidine.
Molecular consequence: missense variant.
Genome position (GRCh38, 1-based): chr5:132,604,000, A>T. VCF-style: chr5-132604000-A-T. GRCh37 (hg19) VCF-style: chr5-131939692-A-T.
Other names: short protein forms Q826H.
Identifiers: ClinVar variation 3786314 (VCV003786314.1).

ClinVar aggregate classification (germline): Uncertain significance (1 of 4 stars; one submission).

Conditions:
Hereditary cancer-predisposing syndrome. Also called: Neoplastic Syndromes, Hereditary; Hereditary Cancer Syndrome; Tumor predisposition; Hereditary neoplastic syndrome. Identifiers: Orphanet 140162, MedGen C0027672, MeSH D009386, MONDO:0015356.

Submission:

Ambry Genetics
Classification: Uncertain significance for Hereditary cancer-predisposing syndrome. Last evaluated: 2025-02-16. Review status: criteria provided, single submitter. Criteria: Ambry Variant Classification Scheme 2023. Collection method: clinical testing. Allele origin: germline.
Comment: The p.Q826H variant (also known as c.2478A>T), located in coding exon 15 of the RAD50 gene, results from an A to T substitution at nucleotide position 2478. The glutamine at codon 826 is replaced by histidine, an amino acid with highly similar properties. This amino acid position is conserved. In addition, this alteration is predicted to be tolerated by in silico analysis. Based on the available evidence, the clinical significance of this variant remains unclear.